The following is an entry in ClinVar:

NM_138694.4(PKHD1):c.4073_4074insCG (p.Leu1359fs)

Gene: PKHD1 (PKHD1 ciliary IPT domain containing fibrocystin/polyductin; minus strand). Cytogenetic location: 6p12.2.
Variant type: Insertion.
Coding change: c.4073_4074insCG on transcript NM_138694.4 (MANE Select); coding-DNA positions 4073 to 4074, CG inserted.
Protein change: p.Leu1359fs; shifts the reading frame from leucine 1359.
Molecular consequence: frameshift variant.
Genome position: GRCh38 VCF-style: chr6-52025736-A-ACG. GRCh37 (hg19) VCF-style: chr6-51890534-A-ACG.
Other names: c.4073_4074insCG, p.Leu1359fs (NM_170724.3); short protein forms L1359fs.
Identifiers: ClinVar variation 4816656 (VCV004816656.1).

ClinVar aggregate classification (germline): Likely pathogenic (1 of 4 stars; one submission).

Conditions:
Autosomal recessive polycystic kidney disease (ARPKD). Also called: AR polycystic kidney disease. Identifiers: Orphanet 731, Orphanet 8378, MedGen C0085548, MeSH D017044, MONDO:0009889.

Submission:

Natera, Inc.
Classification: Likely pathogenic for Autosomal recessive polycystic kidney disease. Last evaluated: 2026-01-06. Review status: criteria provided, single submitter. Criteria: Natera Variant Classification Schema (03/2026). Collection method: clinical testing. Allele origin: germline.
Comment: The c.4073_4074insCG variant in PKHD1 is a frameshift variant predicted to shift the reading frame beginning at codon 1359 and leads to a stop codon 30 codons downstream. This variant is expected to result in nonsense mediated decay, truncation, or a dysfunctional protein product. This variant is rare in the general population with a frequency below the threshold expected for the associated phenotype(s). Given the available evidence, this variant is classified as Likely Pathogenic.